The following is an entry in ClinVar:

ClinVar aggregate classification (germline): Uncertain significance (1 of 4 stars; one submission).

Conditions:
Dyskeratosis congenita. Identifiers: Orphanet 1775, MedGen C0265965, MONDO:0015780.

Allele frequency attached by ClinVar (database versions not stated): gnomAD exomes below 0.00001; TOPMed below 0.00001; gnomAD 0.00001.

Submission:

Labcorp Genetics (formerly Invitae), Labcorp
Classification: Uncertain significance for Dyskeratosis congenita. Last evaluated: 2021-12-15. Review status: criteria provided, single submitter. Criteria: Invitae Variant Classification Sherloc (09022015). Collection method: clinical testing. Allele origin: germline.
Comment: In summary, the available evidence is currently insufficient to determine the role of this variant in disease. Therefore, it has been classified as a Variant of Uncertain Significance. Algorithms developed to predict the effect of missense changes on protein structure and function are either unavailable or do not agree on the potential impact of this missense change (SIFT: "Deleterious"; PolyPhen-2: "Benign"; Align-GVGD: "Class C0"). This variant has not been reported in the literature in individuals affected with TINF2-related conditions. This variant is not present in population databases (gnomAD no frequency). This sequence change replaces glutamine, which is neutral and polar, with histidine, which is basic and polar, at codon 403 of the TINF2 protein (p.Gln403His).

NM_001099274.3(TINF2):c.1209G>C (p.Gln403His)

Gene: TINF2 (TERF1 interacting nuclear factor 2; minus strand). Cytogenetic location: 14q12.
Variant type: single nucleotide variant.
Coding change: c.1209G>C on transcript NM_001099274.3 (MANE Select); coding-DNA position 1209, G replaced by C.
Protein change: p.Gln403His; replaces glutamine 403 with histidine.
Molecular consequence: missense variant. On other transcripts: 3 prime UTR variant (1).
Genome position (GRCh38, 1-based): chr14:24,240,076, C>G on the plus strand (G>C on the coding strand, the complement: TINF2 is on the minus strand). VCF-style: chr14-24240076-C-G. GRCh37 (hg19) VCF-style: chr14-24709282-C-G.
Other names: c.1104G>C, p.Gln368His (NM_001363668.2); c.*339G>C (NM_012461.3); short protein forms Q368H, Q403H.
Identifiers: ClinVar variation 2060797 (VCV002060797.4), dbSNP rs962310042, ClinGen allele CA257880788.